The following is an entry in ClinVar:

ClinVar aggregate classification (germline): Uncertain significance (1 of 4 stars; one submission).

Conditions:
Legius syndrome. Identifiers: Orphanet 137605, MedGen C1969623, MONDO:0012669, OMIM 611431. Disease mechanism: loss of function.

Submission:

Labcorp Genetics (formerly Invitae), Labcorp
Classification: Uncertain significance for Legius syndrome. Last evaluated: 2023-10-28. Review status: criteria provided, single submitter. Criteria: Invitae Variant Classification Sherloc (09022015). Collection method: clinical testing. Allele origin: germline.
Comment: This sequence change affects codon 331 of the SPRED1 mRNA. It is a 'silent' change, meaning that it does not change the encoded amino acid sequence of the SPRED1 protein. This variant is not present in population databases (gnomAD no frequency). This variant has not been reported in the literature in individuals affected with SPRED1-related conditions. Algorithms developed to predict the effect of sequence changes on RNA splicing suggest that this variant may create or strengthen a splice site. In summary, the available evidence is currently insufficient to determine the role of this variant in disease. Therefore, it has been classified as a Variant of Uncertain Significance.

NM_152594.3(SPRED1):c.993A>G (p.Glu331=)

Gene: SPRED1 (sprouty related EVH1 domain containing 1; plus strand). Cytogenetic location: 15q14.
Variant type: single nucleotide variant.
Coding change: c.993A>G on transcript NM_152594.3 (MANE Select); coding-DNA position 993, A replaced by G.
Protein change: p.Glu331=; no amino-acid change (glutamic acid 331 retained).
Molecular consequence: synonymous variant.
Genome position (GRCh38, 1-based): chr15:38,351,322, A>G. VCF-style: chr15-38351322-A-G. GRCh37 (hg19) VCF-style: chr15-38643523-A-G.
Identifiers: ClinVar variation 2900213 (VCV002900213.3), dbSNP rs2542743409, ClinGen allele CA490012387.